The following is an entry in ClinVar:

ClinVar aggregate classification (germline): Benign. Review status: criteria provided, single submitter (1 of 4 stars). 2 submissions from 2 submitters: Benign (1). 1 of the submissions does not count toward it. Last evaluated 2019-12-31.

Conditions:
IQCE-related disorder. Also called: IQCE-related condition.

Allele frequency attached by ClinVar (database versions not stated): gnomAD exomes 0.00057 and 0.00161; ExAC 0.00201; gnomAD 0.00483 and 0.00517; 1000 Genomes Project 30x 0.00484; ESP Exome Variant Server 0.00601; TOPMed 0.00667; 1000 Genomes Project 0.00759.
gnomAD v4.1: 1,623 of 1,613,274 alleles (0.1%); highest among the groups gnomAD compares: African/African-American, 1.7%; 20 homozygotes.

Submissions (2):

Labcorp Genetics (formerly Invitae), Labcorp
Classification: Benign. Last evaluated: 2019-12-31. Review status: criteria provided, single submitter. Criteria: Invitae Variant Classification Sherloc (09022015). Collection method: clinical testing. Allele origin: germline.

PreventionGenetics, part of Exact Sciences
Classification: Benign for IQCE-related condition. Last evaluated: 2019-07-29. Review status: no assertion criteria provided. Collection method: clinical testing. Allele origin: germline. Not counted in ClinVar's aggregate classification.
Comment: This variant is classified as benign based on ACMG/AMP sequence variant interpretation guidelines (Richards et al. 2015 PMID: 25741868, with internal and published modifications).

NM_152558.5(IQCE):c.1175G>A (p.Arg392His)

Gene: IQCE (IQ motif containing E; plus strand). Cytogenetic location: 7p22.3.
Variant type: single nucleotide variant.
Coding change: c.1175G>A on transcript NM_152558.5 (MANE Select); coding-DNA position 1175, G replaced by A.
Protein change: p.Arg392His; replaces arginine 392 with histidine.
Molecular consequence: missense variant.
Genome position (GRCh38, 1-based): chr7:2,590,037, G>A. VCF-style: chr7-2590037-G-A. GRCh37 (hg19) VCF-style: chr7-2629671-G-A.
Other names: c.1175G>A, p.Arg392His (NM_001287499.2); c.1127G>A, p.Arg376His (NM_001287500.2); c.980G>A, p.Arg327His (NM_001287501.2, NM_001287502.2); short protein forms R327H, R376H, R392H.
Identifiers: ClinVar variation 788417 (VCV000788417.6), dbSNP rs113614660, ClinGen allele CA4129061.